The following is an entry in ClinVar:

ClinVar aggregate classification (germline): Uncertain significance (1 of 4 stars; one submission).

Allele frequency attached by ClinVar (database versions not stated): TOPMed below 0.00001; gnomAD exomes 0.00002; gnomAD 0.00003; ExAC 0.00005; 1000 Genomes Project 30x 0.00031; 1000 Genomes Project 0.00040.
gnomAD v4.1: 39 of 1,608,638 alleles (0.0024%); highest among the groups gnomAD compares: South Asian, 0.036%; no homozygotes.

Submission:

Labcorp Genetics (formerly Invitae), Labcorp
Classification: Uncertain significance. Last evaluated: 2024-10-10. Review status: criteria provided, single submitter. Criteria: Invitae Variant Classification Sherloc (09022015). Collection method: clinical testing. Allele origin: germline.
Comment: This sequence change replaces isoleucine, which is neutral and non-polar, with valine, which is neutral and non-polar, at codon 905 of the ANLN protein (p.Ile905Val). This variant is present in population databases (rs542363667, gnomAD 0.05%), and has an allele count higher than expected for a pathogenic variant. This missense change has been observed in individual(s) with chronic kidney disease (PMID: 36938085). ClinVar contains an entry for this variant (Variation ID: 2170710). Invitae Evidence Modeling of protein sequence and biophysical properties (such as structural, functional, and spatial information, amino acid conservation, physicochemical variation, residue mobility, and thermodynamic stability) indicates that this missense variant is not expected to disrupt ANLN protein function with a negative predictive value of 80%. In summary, the available evidence is currently insufficient to determine the role of this variant in disease. Therefore, it has been classified as a Variant of Uncertain Significance.

Literature cited by the submitters: PubMed 36938085.

NM_018685.5(ANLN):c.2713A>G (p.Ile905Val)

Gene: ANLN (anillin, actin binding protein; plus strand). Cytogenetic location: 7p14.2.
Variant type: single nucleotide variant.
Coding change: c.2713A>G on transcript NM_018685.5 (MANE Select); coding-DNA position 2713, A replaced by G.
Protein change: p.Ile905Val; replaces isoleucine 905 with valine.
Molecular consequence: missense variant.
Genome position (GRCh38, 1-based): chr7:36,425,705, A>G. VCF-style: chr7-36425705-A-G. GRCh37 (hg19) VCF-style: chr7-36465314-A-G.
Other names: c.2602A>G, p.Ile868Val (NM_001284301.3); c.2599A>G, p.Ile867Val (NM_001284302.3); short protein forms I867V, I868V, I905V.
Identifiers: ClinVar variation 2170710 (VCV002170710.4), dbSNP rs542363667, ClinGen allele CA4219953.